The following is an entry in ClinVar:

NM_144988.4(ALG14):c.291T>C (p.Tyr97=)

Gene: ALG14 (ALG14 UDP-N-acetylglucosaminyltransferase subunit; minus strand). Cytogenetic location: 1p21.3.
Variant type: single nucleotide variant.
Coding change: c.291T>C on transcript NM_144988.4 (MANE Select); coding-DNA position 291, T replaced by C.
Protein change: p.Tyr97=; no amino-acid change (tyrosine 97 retained).
Molecular consequence: synonymous variant. On other transcripts: missense variant (1), non-coding transcript variant (1).
Genome position (GRCh38, 1-based): chr1:95,027,258, A>G on the plus strand (T>C on the coding strand, the complement: ALG14 is on the minus strand). VCF-style: chr1-95027258-A-G. GRCh37 (hg19) VCF-style: chr1-95492814-A-G.
Other names: c.328T>C (NM_001305242.1); c.328T>C, p.Tyr110His (NM_001305242.2); short protein forms Y110H.
Identifiers: ClinVar variation 706372 (VCV000706372.35), dbSNP rs199810632, ClinGen allele CA961820.

ClinVar aggregate classification (germline): Benign. Review status: criteria provided, multiple submitters, no conflicts (2 of 4 stars). 3 submissions from 3 submitters: Benign (2). 1 of the submissions does not count toward it. Last evaluated 2026-01-26.

Conditions:
Congenital myasthenic syndrome 15. Also called: Myasthenic syndrome, congenital, 15, without tubular aggregates. Identifiers: Orphanet 353327, Orphanet 590, MedGen C4015596, MONDO:0014542, OMIM 616227.
ALG14-related disorder. Also called: ALG14-related condition.

Allele frequency attached by ClinVar (database versions not stated): gnomAD 0.00001 and 0.00044; TOPMed 0.00008; gnomAD exomes 0.00075 and 0.00154; ExAC 0.00173; 1000 Genomes Project 0.00260; 1000 Genomes Project 30x 0.00265.
gnomAD v4.1: 1,159 of 1,614,078 alleles (0.072%); highest among the groups gnomAD compares: South Asian, 1.2%; 29 homozygotes.

Submissions (3):

Labcorp Genetics (formerly Invitae), Labcorp
Classification: Benign for Congenital myasthenic syndrome 15. Last evaluated: 2026-01-26. Review status: criteria provided, single submitter. Criteria: Invitae Variant Classification Sherloc (09022015). Collection method: clinical testing. Allele origin: germline.

CeGaT Center for Human Genetics Tuebingen
Classification: Benign. Last evaluated: 2023-06-01. Review status: criteria provided, single submitter. Criteria: CeGaT Center For Human Genetics Tuebingen Variant Classification Criteria Version 2. Collection method: clinical testing. Allele origin: germline. Affected: yes. Observed: 2 variant alleles.
Comment: ALG14: BP4, BP7, BS1, BS2

PreventionGenetics, part of Exact Sciences
Classification: Benign for ALG14-related condition. Last evaluated: 2019-06-06. Review status: no assertion criteria provided. Collection method: clinical testing. Allele origin: germline. Not counted in ClinVar's aggregate classification.
Comment: This variant is classified as benign based on ACMG/AMP sequence variant interpretation guidelines (Richards et al. 2015 PMID: 25741868, with internal and published modifications).